The following is an entry in ClinVar:

ClinVar aggregate classification (germline): Uncertain significance (1 of 4 stars; one submission).

Conditions:
Familial thoracic aortic aneurysm and aortic dissection (TAAD). Also called: Thoracic aortic aneurysms and dissections. Identifiers: Orphanet 91387, MedGen C4707243, MONDO:0019625.

Submission:

Ambry Genetics
Classification: Uncertain significance for Familial thoracic aortic aneurysm and aortic dissection. Last evaluated: 2022-02-12. Review status: criteria provided, single submitter. Criteria: Ambry Variant Classification Scheme 2023. Collection method: clinical testing. Allele origin: germline.
Comment: The p.M89L variant (also known as c.265A>T), located in coding exon 2 of the CBS gene, results from an A to T substitution at nucleotide position 265. The methionine at codon 89 is replaced by leucine, an amino acid with highly similar properties. This amino acid position is conserved. In addition, this alteration is predicted to be tolerated by in silico analysis. Since supporting evidence is limited at this time, the clinical significance of this alteration remains unclear.

NM_000071.3(CBS):c.265A>T (p.Met89Leu)

Gene: CBS (cystathionine beta-synthase; minus strand). Cytogenetic location: 21q22.3.
Variant type: single nucleotide variant.
Coding change: c.265A>T on transcript NM_000071.3 (MANE Select); coding-DNA position 265, A replaced by T.
Protein change: p.Met89Leu; replaces methionine 89 with leucine.
Molecular consequence: missense variant.
Genome position (GRCh38, 1-based): chr21:43,068,560, T>A on the plus strand (A>T on the coding strand, the complement: CBS is on the minus strand). VCF-style: chr21-43068560-T-A. GRCh37 (hg19) VCF-style: chr21-44488670-T-A.
Other names: c.265A>T, p.Met89Leu (NM_001178008.3, NM_001178009.3, NM_001320298.2); short protein forms M89L.
Identifiers: ClinVar variation 1794424 (VCV001794424.2), dbSNP rs2517469704, ClinGen allele CA410602091.